The following is an entry in ClinVar:

NM_001164508.2(NEB):c.24003_24006dup (p.Glu8003fs)

Genes: NEB (nebulin; minus strand), RIF1 (replication timing regulatory factor 1; plus strand). Cytogenetic location: 2q23.3.
Variant type: Microsatellite.
Coding change: c.24003_24006dup on transcript NM_001164508.2 (MANE Select); coding-DNA positions 24003 to 24006, 4 bases duplicated (TCAA; older notation c.24003_24006dupTCAA).
Protein change: p.Glu8003fs; shifts the reading frame from glutamic acid 8003.
Molecular consequence: frameshift variant. On other transcripts: intron variant (1).
Genome position (GRCh38, 1-based): chr2:151,501,406-151,501,409, TTGA duplicated on the plus strand (TCAA on the coding strand, the reverse complement: NEB is on the minus strand); duplicating any 4 consecutive bases within chr2:151,501,406-151,501,413 gives the same sequence; the c. name uses the placement nearest the transcript's 3' end. VCF-style (leftmost placement, unchanged base first): chr2-151501405-C-CTTGA. GRCh37 (hg19) VCF-style: chr2-152357919-C-CTTGA.
Other names: NM_001164508.2(NEB):c.24003_24006dup; p.Glu8003fs; c.24108_24111dup (NM_001271208.1); c.24003_24006dup, p.Glu8003fs (NM_001164507.2); c.24108_24111dup, p.Glu8038fs (NM_001271208.2); c.18825+1380TCAA[3] (NM_004543.5); short protein forms E8003fs, E8038fs.
Identifiers: ClinVar variation 1068470 (VCV001068470.9), dbSNP rs1553568447, ClinGen allele CA2580611698.

ClinVar aggregate classification (germline): Pathogenic/Likely pathogenic. Review status: criteria provided, multiple submitters, no conflicts (2 of 4 stars). 3 submissions from 3 submitters: Pathogenic (1); Likely pathogenic (2). Last evaluated 2025-02-26.

Conditions:
Arthrogryposis multiplex congenita 6. Identifiers: MedGen C5543431, MONDO:0030281, OMIM 619334.
Nemaline myopathy. Also called: Myopathies, Nemaline. Identifiers: Orphanet 607, MedGen C0206157, MONDO:0018958.
Nemaline myopathy 2 (NEM2). Also called: Nemaline myopathy 2, autosomal recessive. Identifiers: MedGen C1850569, MONDO:0009725, OMIM 256030.

Submissions (3):

Broad Center for Mendelian Genomics, Broad Institute of MIT and Harvard
Classification: Likely pathogenic for Nemaline myopathy. Last evaluated: 2025-02-26. Review status: criteria provided, single submitter. Criteria: ACMG Guidelines, 2015. Collection method: curation. Allele origin: germline. Inheritance: Autosomal recessive inheritance.
Comment: The p.Glu8003SerfsTer5 variant in NEB has not been previously reported in the literature in individuals with nemaline myopathy, but has been identified in 0.0002% (2/1145184) of European (non-Finnish) chromosomes by the Genome Aggregation Database (gnomAD; dbSNP ID: rs1553568447). Although this variant has been seen in the general population in a heterozygous state, its frequency is low enough to be consistent with a recessive carrier frequency. This variant has also been reported in ClinVar (Variation ID: 1068470) and has been interpreted as pathogenic by Invitae. This variant is predicted to cause a frameshift, which alters the protein‚Äôs amino acid sequence beginning at position 8003 and leads to a premature termination codon 5 amino acids downstream. This alteration is then predicted to lead to a truncated or absent protein. Loss of function of the NEB gene is an established disease mechanism in autosomal recessive nemaline myopathy. In summary, although additional studies are required to fully establish its clinical significance, this variant is likely pathogenic for autosomal recessive nemaline myopathy. ACMG/AMP Criteria applied: PVS1, PM2_supporting (Richards 2015).

Baylor Genetics
Classification: Likely pathogenic for Arthrogryposis multiplex congenita 6. Last evaluated: 2024-01-20. Review status: criteria provided, single submitter. Criteria: ACMG Guidelines, 2015. Collection method: clinical testing. Allele origin: unknown.

Labcorp Genetics (formerly Invitae), Labcorp
Classification: Pathogenic for Nemaline myopathy 2. Last evaluated: 2023-05-13. Review status: criteria provided, single submitter. Criteria: Invitae Variant Classification Sherloc (09022015). Collection method: clinical testing. Allele origin: germline.
Comment: Algorithms developed to predict the effect of sequence changes on RNA splicing suggest that this variant may disrupt the consensus splice site. For these reasons, this variant has been classified as Pathogenic. This variant has not been reported in the literature in individuals affected with NEB-related conditions. This variant is not present in population databases (gnomAD no frequency). This sequence change creates a premature translational stop signal (p.Glu8038Serfs*5) in the NEB gene. It is expected to result in an absent or disrupted protein product. Loss-of-function variants in NEB are known to be pathogenic (PMID: 25205138).

Literature cited by the submitters: PubMed 25205138 (cited by Labcorp Genetics (formerly Invitae), Labcorp).